The following is an entry in ClinVar:

ClinVar aggregate classification (germline): Uncertain significance (1 of 4 stars; one submission).

Submission:

GeneDx
Classification: Uncertain significance. Last evaluated: 2024-05-28. Review status: criteria provided, single submitter. Criteria: GeneDx Variant Classification Process June 2021. Collection method: clinical testing. Allele origin: germline. Affected: yes.
Comment: In-frame deletion of 1 amino acid in a non-repeat region; Has not been previously published as pathogenic or benign to our knowledge

NM_138927.4(SON):c.6397GAA[2] (p.Glu2135del)

Gene: SON (SON DNA and RNA binding protein; plus strand). Cytogenetic location: 21q22.11.
Variant type: Microsatellite.
Coding change: c.6397GAA[2] on transcript NM_138927.4 (MANE Select); two copies in a row of the 3-base unit GAA starting at c.6397; the reference has three copies in a row; one copy, 3 bases deleted.
Protein change: p.Glu2135del; deletes glutamic acid 2135.
Molecular consequence: non-coding transcript variant (on NR_103797.2).
Genome position (GRCh38, 1-based): chr21:33,559,311-33,559,313, GAA deleted; deleting any 3 consecutive bases within chr21:33,559,305-33,559,313 gives the same sequence; the position shown is the placement nearest the transcript's 3' end. VCF-style (leftmost placement, unchanged base first): chr21-33559304-GGAA-G. GRCh37 (hg19) VCF-style: chr21-34931610-GGAA-G.
Other names: c.481GAA[2], p.Glu163del (NM_001291412.3); c.6397GAA[2], p.Glu2135del (NM_032195.3); short protein forms E163del, E2135del.
Identifiers: ClinVar variation 3383671 (VCV003383671.1).
Genomic context (GRCh38, chr21:33,559,304, plus strand): 5'-CGCACAGAGTAAAGAAGATGATGATGTAATAGTGAATAAACCTCATGTTTCGGATGAAGA[GGAA>G]GAAGAACCTCCTTTTTATCATCATCCCTTTAAACTCAGTGAACCCAAACCTATTTTTTTC-3'